The following is an entry in ClinVar:

NM_002485.5(NBN):c.1397+2T>A

Gene: NBN (nibrin; minus strand). Cytogenetic location: 8q21.3.
Variant type: single nucleotide variant.
Coding change: c.1397+2T>A on transcript NM_002485.5 (MANE Select); the canonical splice donor site of the intron after coding-DNA position 1397, T replaced by A.
Molecular consequence: splice donor variant.
Genome position (GRCh38, 1-based): chr8:89,955,281, A>T on the plus strand (T>A on the coding strand, the complement: NBN is on the minus strand). VCF-style: chr8-89955281-A-T. GRCh37 (hg19) VCF-style: chr8-90967509-A-T.
Other names: c.1151+2T>A (NM_001024688.3).
Identifiers: ClinVar variation 182721 (VCV000182721.12), dbSNP rs730881850, ClinGen allele CA299614.

ClinVar aggregate classification (germline): Likely pathogenic. Review status: criteria provided, multiple submitters, no conflicts (2 of 4 stars). 3 submissions from 3 submitters: Likely pathogenic (3). Last evaluated 2024-02-19.

Conditions:
Aplastic anemia. Identifiers: Orphanet 182040, Orphanet 88, MedGen C0002874, MONDO:0015909, OMIM 609135, HP:0001915.
Microcephaly, normal intelligence and immunodeficiency (NBS). Also called: IMMUNODEFICIENCY, MICROCEPHALY, AND CHROMOSOMAL INSTABILITY; SEEMANOVA SYNDROME II; Nijmegen breakage syndrome; Microcephaly with normal intelligence immunodeficiency and lymphoreticular malignancies; Nonsyndromal microcephaly autosomal recessive with normal intelligence; Seemanova syndrome 2. Identifiers: Orphanet 647, MedGen C0398791, MONDO:0009623, OMIM 251260.

Submissions (3):

Labcorp Genetics (formerly Invitae), Labcorp
Classification: Likely pathogenic for Microcephaly, normal intelligence and immunodeficiency. Last evaluated: 2024-02-19. Review status: criteria provided, single submitter. Criteria: Invitae Variant Classification Sherloc (09022015). Collection method: clinical testing. Allele origin: germline.
Comment: This sequence change affects a donor splice site in intron 10 of the NBN gene. It is expected to disrupt RNA splicing. Variants that disrupt the donor or acceptor splice site typically lead to a loss of protein function (PMID: 16199547), and loss-of-function variants in NBN are known to be pathogenic (PMID: 9590180, 16415040). This variant is not present in population databases (gnomAD no frequency). Disruption of this splice site has been observed in individual(s) with breast cancer (PMID: 26681312). ClinVar contains an entry for this variant (Variation ID: 182721). Algorithms developed to predict the effect of sequence changes on RNA splicing suggest that this variant may disrupt the consensus splice site. In summary, the currently available evidence indicates that the variant is pathogenic, but additional data are needed to prove that conclusively. Therefore, this variant has been classified as Likely Pathogenic.

Baylor Genetics
Classification: Likely pathogenic for Aplastic anemia. Last evaluated: 2022-12-14. Review status: criteria provided, single submitter. Criteria: ACMG Guidelines, 2015. Collection method: clinical testing. Allele origin: unknown.

GeneDx
Classification: Likely pathogenic. Last evaluated: 2021-11-11. Review status: criteria provided, single submitter. Criteria: GeneDx Variant Classification Process June 2021. Collection method: clinical testing. Allele origin: germline. Affected: yes.
Comment: Canonical splice site variant expected to result in aberrant splicing disrupting the nuclear localization signal motif (Damiola 2014), although in the absence of functional evidence the actual effect of this sequence change is unknown; Not observed at significant frequency in large population cohorts (Lek et al., 2016); Observed in individuals with breast cancer (Susswein 2016); This variant is associated with the following publications: (PMID: 26681312)

Literature cited by the submitters: PubMed 16199547 (cited by Labcorp Genetics (formerly Invitae), Labcorp); PubMed 9590180 (cited by Labcorp Genetics (formerly Invitae), Labcorp); PubMed 16415040 (cited by Labcorp Genetics (formerly Invitae), Labcorp); PubMed 26681312 (cited by Labcorp Genetics (formerly Invitae), Labcorp).